The following is an entry in ClinVar:

ClinVar aggregate classification (germline): Uncertain significance. Review status: criteria provided, multiple submitters, no conflicts (2 of 4 stars). 4 submissions from 4 submitters: Uncertain significance (4). Last evaluated 2024-11-11.

Conditions:
Ciliopathy. Also called: Ciliopathies. Identifiers: Orphanet 363250, MedGen C4277690, MONDO:0005308, MeSH D000072661.

Allele frequency attached by ClinVar (database versions not stated): gnomAD 0.00001; TOPMed 0.00002.
gnomAD v4.1: 12 of 1,608,944 alleles (0.00075%); highest among the groups gnomAD compares: East Asian, 0.0089%; no homozygotes.

Submissions (4):

Ambry Genetics
Classification: Uncertain significance. Last evaluated: 2024-11-11. Review status: criteria provided, single submitter. Criteria: Ambry Variant Classification Scheme 2023. Collection method: clinical testing. Allele origin: germline.

Labcorp Genetics (formerly Invitae), Labcorp
Classification: Uncertain significance. Last evaluated: 2022-07-20. Review status: criteria provided, single submitter. Criteria: Invitae Variant Classification Sherloc (09022015). Collection method: clinical testing. Allele origin: germline.
Comment: This variant is present in population databases (no rsID available, gnomAD 0.02%). This sequence change replaces arginine, which is basic and polar, with tryptophan, which is neutral and slightly polar, at codon 318 of the KIAA0556 protein (p.Arg318Trp). This variant has not been reported in the literature in individuals affected with KIAA0556-related conditions. In summary, the available evidence is currently insufficient to determine the role of this variant in disease. Therefore, it has been classified as a Variant of Uncertain Significance. Algorithms developed to predict the effect of missense changes on protein structure and function output the following: SIFT: "Deleterious"; PolyPhen-2: "Benign"; Align-GVGD: "Class C0". The tryptophan amino acid residue is found in multiple mammalian species, which suggests that this missense change does not adversely affect protein function.

Department of Pathology and Laboratory Medicine, Sinai Health System
Classification: Uncertain significance for ciliopathy. Last evaluated: 2020-06-22. Review status: criteria provided, single submitter. Criteria: ACMG Guidelines, 2015. Collection method: research. Allele origin: germline.

Blueprint Genetics
Classification: Uncertain significance. Last evaluated: 2019-12-20. Review status: criteria provided, single submitter. Criteria: ACMG Guidelines, 2015. Collection method: clinical testing. Allele origin: germline.

NM_015202.5(KATNIP):c.952C>T (p.Arg318Trp)

Gene: KATNIP (katanin interacting protein; plus strand). Cytogenetic location: 16p12.1.
Variant type: single nucleotide variant.
Coding change: c.952C>T on transcript NM_015202.5 (MANE Select); coding-DNA position 952, C replaced by T.
Protein change: p.Arg318Trp; replaces arginine 318 with tryptophan.
Molecular consequence: missense variant.
Genome position (GRCh38, 1-based): chr16:27,698,339, C>T. VCF-style: chr16-27698339-C-T. GRCh37 (hg19) VCF-style: chr16-27709660-C-T.
Other names: c.952C>T (NM_015202.2); short protein forms R318W.
Identifiers: ClinVar variation 1925303 (VCV001925303.8), dbSNP rs746719915, ClinGen allele CA279722192.